The following is an entry in ClinVar:

NM_000355.4(TCN2):c.941-13C>T

Gene: TCN2 (transcobalamin 2; plus strand). Cytogenetic location: 22q12.2.
Variant type: single nucleotide variant.
Coding change: c.941-13C>T on transcript NM_000355.4 (MANE Select); 13 bases into the intron before coding-DNA position 941, C replaced by T.
Molecular consequence: intron variant.
Genome position (GRCh38, 1-based): chr22:30,617,317, C>T. VCF-style: chr22-30617317-C-T. GRCh37 (hg19) VCF-style: chr22-31013304-C-T.
Other names: c.860-13C>T (NM_001184726.2).
Identifiers: ClinVar variation 341207 (VCV000341207.36), dbSNP rs192009509, ClinGen allele CA10184916.

ClinVar aggregate classification (germline): Benign/Likely benign. Review status: criteria provided, multiple submitters, no conflicts (2 of 4 stars). 5 submissions from 5 submitters: Benign (3); Likely benign (2). Last evaluated 2026-01-19.

Conditions:
Transcobalamin II deficiency (TCN2D). Also called: Transcolabamin II deficiency; TC II DEFICIENCY; TCN2 DEFICIENCY. Identifiers: Orphanet 859, MedGen C0342701, MONDO:0010149, OMIM 275350.

Allele frequency attached by ClinVar (database versions not stated): ESP Exome Variant Server 0.00008; gnomAD 0.00099; gnomAD exomes 0.00104; ExAC 0.00106; TOPMed 0.00131; 1000 Genomes Project 0.00280; 1000 Genomes Project 30x 0.00297.
gnomAD v4.1: 548 of 1,614,176 alleles (0.034%); highest among the groups gnomAD compares: East Asian, 0.89%; 2 homozygotes.

Submissions (5):

Labcorp Genetics (formerly Invitae), Labcorp
Classification: Benign for Transcobalamin II deficiency. Last evaluated: 2026-01-19. Review status: criteria provided, single submitter. Criteria: Invitae Variant Classification Sherloc (09022015). Collection method: clinical testing. Allele origin: germline.

ARUP Laboratories, Molecular Genetics and Genomics, ARUP Laboratories
Classification: Benign for Transcobalamin II deficiency. Last evaluated: 2025-01-29. Review status: criteria provided, single submitter. Criteria: ARUP Molecular Germline Variant Investigation Process 2024. Collection method: clinical testing. Allele origin: germline.

Blueprint Genetics
Classification: Likely benign. Last evaluated: 2024-07-12. Review status: criteria provided, single submitter. Criteria: ACMG Guidelines, 2015. Collection method: clinical testing. Allele origin: germline.

CeGaT Center for Human Genetics Tuebingen
Classification: Likely benign. Last evaluated: 2024-02-01. Review status: criteria provided, single submitter. Criteria: CeGaT Center For Human Genetics Tuebingen Variant Classification Criteria Version 2. Collection method: clinical testing. Allele origin: germline. Affected: yes. Observed: 1 variant allele.
Comment: TCN2: BS1

Illumina Laboratory Services, Illumina
Classification: Benign for Transcobalamin II deficiency. Last evaluated: 2018-01-13. Review status: criteria provided, single submitter. Criteria: ICSL Variant Classification Criteria 13 December 2019. Collection method: clinical testing. Allele origin: germline.
Comment: This variant was observed in the ICSL laboratory as part of a predisposition screen in an ostensibly healthy population. It had not been previously curated by ICSL or reported in the Human Gene Mutation Database (HGMD: prior to June 1st, 2018), and was therefore a candidate for classification through an automated scoring system. Utilizing variant allele frequency, disease prevalence and penetrance estimates, and inheritance mode, an automated score was calculated to assess if this variant is too frequent to cause the disease. Based on the score and internal cut-off values, a variant classified as benign is not then subjected to further curation. The score for this variant resulted in a classification of benign for this disease.